The following is an entry in ClinVar:

NM_004656.4(BAP1):c.1152_1162del (p.Arg385fs)

Gene: BAP1 (BRCA1 associated deubiquitinase 1; minus strand). Cytogenetic location: 3p21.1.
Variant type: Deletion.
Coding change: c.1152_1162del on transcript NM_004656.4 (MANE Select); coding-DNA positions 1152 to 1162, 11 bases deleted (CCGAGTTCCAG).
Protein change: p.Arg385fs; shifts the reading frame from arginine 385.
Molecular consequence: frameshift variant.
Genome position (GRCh38, 1-based): chr3:52,404,541-52,404,551, CTGGAACTCGG deleted on the plus strand (CCGAGTTCCAG on the coding strand, the reverse complement: BAP1 is on the minus strand); deleting any 11 consecutive bases within chr3:52,404,541-52,404,554 gives the same sequence; the c. name uses the placement nearest the transcript's 3' end. VCF-style (leftmost placement, unchanged base first): chr3-52404540-ACTGGAACTCGG-A. GRCh37 (hg19) VCF-style: chr3-52438556-ACTGGAACTCGG-A.
Other names: c.1098_1108del, p.Arg367fs (NM_001410772.1); short protein forms R367fs, R385fs.
Identifiers: ClinVar variation 5019509 (VCV005019509.2).

ClinVar aggregate classification (germline): Likely pathogenic (1 of 4 stars; one submission).

Conditions:
BAP1-related tumor predisposition syndrome (TPDS1). Also called: Tumor susceptibility linked to germline BAP1 mutations; TUMOR PREDISPOSITION SYNDROME 1; BAP1 tumor predisposition syndrome; COMMON Syndrome. Identifiers: Orphanet 289539, MedGen C3280492, MONDO:0013692, OMIM 614327.

Submission:

Juno Genomics, Hangzhou Juno Genomics, Inc
Classification: Likely pathogenic for BAP1-related tumor predisposition syndrome. Review status: criteria provided, single submitter. Criteria: ACMG Guidelines, 2015. Collection method: clinical testing. Allele origin: germline.
Comment: Absent from controls (or at extremely low frequency if recessive) in Genome Aggregation Database.;Null variant in a gene where loss of function (LOF) is a known mechanism of disease.